The following is an entry in ClinVar:

NM_017802.4(DNAAF5):c.14G>A (p.Gly5Glu)

Genes: DNAAF5 (dynein axonemal assembly factor 5; plus strand), PRKAR1B (protein kinase cAMP-dependent type I regulatory subunit beta; minus strand). Cytogenetic location: 7p22.3.
Variant type: single nucleotide variant.
Coding change: c.14G>A on transcript NM_017802.4 (MANE Select); coding-DNA position 14, G replaced by A.
Protein change: p.Gly5Glu; replaces glycine 5 with glutamic acid.
Molecular consequence: missense variant. On other transcripts: non-coding transcript variant (1), intron variant (3).
Genome position (GRCh38, 1-based): chr7:726,734, G>A. VCF-style: chr7-726734-G-A. GRCh37 (hg19) VCF-style: chr7-766371-G-A.
Other names: c.-23+921C>T (NM_001164759.1); c.-23+856C>T (NM_001164758.2); c.-23+476C>T (NM_001164760.2); short protein forms G5E.
Identifiers: ClinVar variation 4774561 (VCV004774561.1).

ClinVar aggregate classification (germline): Uncertain significance (1 of 4 stars; one submission).

Conditions:
Primary ciliary dyskinesia. Also called: Ciliary dyskinesia. Identifiers: Orphanet 244, MedGen C0008780, MONDO:0016575, HP:0012265.

Submission:

Labcorp Genetics (formerly Invitae), Labcorp
Classification: Uncertain significance for Primary ciliary dyskinesia. Last evaluated: 2025-10-23. Review status: criteria provided, single submitter. Criteria: Invitae Variant Classification Sherloc (09022015). Collection method: clinical testing. Allele origin: germline.
Comment: This sequence change replaces glycine, which is neutral and non-polar, with glutamic acid, which is acidic and polar, at codon 5 of the DNAAF5 protein (p.Gly5Glu). This variant is not present in population databases (gnomAD no frequency). This variant has not been reported in the literature in individuals affected with DNAAF5-related conditions. Experimental studies and prediction algorithms are not available or were not evaluated, and the functional significance of this variant is currently unknown. In summary, the available evidence is currently insufficient to determine the role of this variant in disease. Therefore, it has been classified as a Variant of Uncertain Significance.